The following is an entry in ClinVar:

NM_053025.4(MYLK):c.5702C>T (p.Thr1901Met)

Genes: MYLK (myosin light chain kinase; minus strand), MYLK-AS1 (MYLK antisense RNA 1; plus strand). Cytogenetic location: 3q21.1.
Variant type: single nucleotide variant.
Coding change: c.5702C>T on transcript NM_053025.4 (MANE Select); coding-DNA position 5702, C replaced by T.
Protein change: p.Thr1901Met; replaces threonine 1901 with methionine.
Molecular consequence: missense variant.
Genome position (GRCh38, 1-based): chr3:123,614,148, G>A on the plus strand (C>T on the coding strand, the complement: MYLK is on the minus strand). VCF-style: chr3-123614148-G-A. GRCh37 (hg19) VCF-style: chr3-123332995-G-A.
Other names: c.5174C>T, p.Thr1725Met (NM_001321309.2); c.5495C>T, p.Thr1832Met (NM_053026.4); c.5549C>T, p.Thr1850Met (NM_053027.4); c.5342C>T, p.Thr1781Met (NM_053028.4); c.419C>T, p.Thr140Met (NM_053031.4); c.422C>T, p.Thr141Met (NM_053032.4); short protein forms T1901M, T140M, T1850M, T1725M, T1832M, T141M, T1781M.
Identifiers: ClinVar variation 582360 (VCV000582360.18), dbSNP rs200490629, ClinGen allele CA073202.

ClinVar aggregate classification (germline): Conflicting classifications of pathogenicity. Review status: criteria provided, conflicting classifications (1 of 4 stars). 6 submissions from 6 submitters: Uncertain significance (2); Likely benign (3). 1 of the submissions does not count toward it. Last evaluated 2026-04-24.

Conditions:
Aortic aneurysm, familial thoracic 7 (AAT7). Also called: AORTIC DISSECTION, FAMILIAL, WITH OR WITHOUT AORTIC ANEURYSM. Identifiers: MedGen C3151077, MONDO:0013418, OMIM 613780.
Familial thoracic aortic aneurysm and aortic dissection (TAAD). Also called: Thoracic aortic aneurysms and dissections. Identifiers: Orphanet 91387, MedGen C4707243, MONDO:0019625.

Allele frequency attached by ClinVar (database versions not stated): TOPMed 0.00004; gnomAD 0.00005; gnomAD exomes 0.00006 and 0.00013; ESP Exome Variant Server 0.00008; 1000 Genomes Project 30x 0.00016; 1000 Genomes Project 0.00020; ExAC 0.00021.

Submissions (6):

Women's Health and Genetics/Laboratory Corporation of America, LabCorp
Classification: Likely benign. Last evaluated: 2026-04-24. Review status: criteria provided, single submitter. Criteria: LabCorp Variant Classification Summary - May 2015. Collection method: clinical testing. Allele origin: germline.

Labcorp Genetics (formerly Invitae), Labcorp
Classification: Likely benign for Aortic aneurysm, familial thoracic 7. Last evaluated: 2025-08-05. Review status: criteria provided, single submitter. Criteria: Invitae Variant Classification Sherloc (09022015). Collection method: clinical testing. Allele origin: germline.

GeneDx
Classification: Uncertain significance. Last evaluated: 2025-04-15. Review status: criteria provided, single submitter. Criteria: GeneDx Variant Classification Process June 2021. Collection method: clinical testing. Allele origin: germline. Affected: yes.
Comment: In silico analysis supports that this missense variant has a deleterious effect on protein structure/function; Has not been previously published as pathogenic or benign to our knowledge

Blueprint Genetics
Classification: Likely benign. Last evaluated: 2024-10-03. Review status: criteria provided, single submitter. Criteria: ACMG Guidelines, 2015. Collection method: clinical testing. Allele origin: germline.

Ambry Genetics
Classification: Uncertain significance for Familial thoracic aortic aneurysm and aortic dissection. Last evaluated: 2023-10-05. Review status: criteria provided, single submitter. Criteria: Ambry Variant Classification Scheme 2023. Collection method: clinical testing. Allele origin: germline.
Comment: The p.T1901M variant (also known as c.5702C>T), located in coding exon 31 of the MYLK gene, results from a C to T substitution at nucleotide position 5702. The threonine at codon 1901 is replaced by methionine, an amino acid with similar properties. This amino acid position is conserved. In addition, this alteration is predicted to be tolerated by in silico analysis. Since supporting evidence is limited at this time, the clinical significance of this alteration remains unclear.

Zotz-Klimas Genetics Lab, MVZ Zotz Klimas
Classification: Uncertain significance for Aortic aneurysm, familial thoracic 7. Last evaluated: 2023-11-24. Review status: no assertion criteria provided. Collection method: clinical testing. Allele origin: germline. Affected: yes. Not counted in ClinVar's aggregate classification.